The following is an entry in ClinVar:

ClinVar aggregate classification (germline): Uncertain significance. Review status: criteria provided, multiple submitters, no conflicts (2 of 4 stars). 2 submissions from 2 submitters: Uncertain significance (2). Last evaluated 2026-01-11.

Conditions:
Inborn genetic diseases. Identifiers: MedGen C0950123, MeSH D030342.
Fanconi anemia complementation group Q. Identifiers: Orphanet 84, MedGen C3808988, MONDO:0014108, OMIM 615272.
Xeroderma pigmentosum, group F (XPF). Also called: XERODERMA PIGMENTOSUM, TYPE F; Xeroderma pigmentosum, type 6; XERODERMA PIGMENTOSUM VI; XP, GROUP F; XERODERMA PIGMENTOSUM, COMPLEMENTATION GROUP F; ERCC4-Related Xeroderma Pigmentosum. Identifiers: MedGen C0268140, MONDO:0010215, OMIM 278760.
Cockayne syndrome. Identifiers: Orphanet 191, MedGen C0009207, MONDO:0016006.

Allele frequency attached by ClinVar (database versions not stated): gnomAD 0.00001.

Submissions (2):

Labcorp Genetics (formerly Invitae), Labcorp
Classification: Uncertain significance for Fanconi anemia complementation group Q; Xeroderma pigmentosum, group F; Cockayne syndrome. Last evaluated: 2026-01-11. Review status: criteria provided, single submitter. Criteria: Invitae Variant Classification Sherloc (09022015). Collection method: clinical testing. Allele origin: germline.
Comment: This sequence change replaces proline, which is neutral and non-polar, with leucine, which is neutral and non-polar, at codon 602 of the ERCC4 protein (p.Pro602Leu). This variant is present in population databases (no rsID available, gnomAD 0.007%). This variant has not been reported in the literature in individuals affected with ERCC4-related conditions. ClinVar contains an entry for this variant (Variation ID: 2055119). Invitae Evidence Modeling of protein sequence and biophysical properties (such as structural, functional, and spatial information, amino acid conservation, physicochemical variation, residue mobility, and thermodynamic stability) has been performed for this missense variant. However, the output from this modeling did not meet the statistical confidence thresholds required to predict the impact of this variant on ERCC4 protein function. In summary, the available evidence is currently insufficient to determine the role of this variant in disease. Therefore, it has been classified as a Variant of Uncertain Significance.

Ambry Genetics
Classification: Uncertain significance for Inborn genetic diseases. Last evaluated: 2021-12-07. Review status: criteria provided, single submitter. Criteria: Ambry Variant Classification Scheme 2023. Collection method: clinical testing. Allele origin: germline.

NM_005236.3(ERCC4):c.1805C>T (p.Pro602Leu)

Gene: ERCC4 (ERCC excision repair 4, endonuclease catalytic subunit; plus strand). Cytogenetic location: 16p13.12.
Variant type: single nucleotide variant.
Coding change: c.1805C>T on transcript NM_005236.3 (MANE Select); coding-DNA position 1805, C replaced by T.
Protein change: p.Pro602Leu; replaces proline 602 with leucine.
Molecular consequence: missense variant.
Genome position (GRCh38, 1-based): chr16:13,935,737, C>T. VCF-style: chr16-13935737-C-T. GRCh37 (hg19) VCF-style: chr16-14029594-C-T.
Other names: short protein forms P602L.
Identifiers: ClinVar variation 2055119 (VCV002055119.5), dbSNP rs1250391663, ClinGen allele CA394812881.